The following is an entry in ClinVar:

ClinVar aggregate classification (germline): Uncertain significance. Review status: criteria provided, multiple submitters, no conflicts (2 of 4 stars). 3 submissions from 3 submitters: Uncertain significance (3). Last evaluated 2024-02-22.

Conditions:
Donnai-Barrow syndrome. Also called: DBS/FOAR SYNDROME; FACIOOCULOACOUSTICORENAL SYNDROME. Identifiers: Orphanet 2143, MedGen C1857277, MONDO:0009104, OMIM 222448.

Allele frequency attached by ClinVar (database versions not stated): gnomAD exomes below 0.00001; ExAC 0.00001; gnomAD 0.00001; 1000 Genomes Project 30x 0.00016; 1000 Genomes Project 0.00020.
gnomAD v4.1: 1 of 1,614,058 alleles (0.000062%); highest among the groups gnomAD compares: South Asian, 0.0011%; no homozygotes.

Submissions (3):

Fulgent Genetics
Classification: Uncertain significance for Donnai-Barrow syndrome. Last evaluated: 2024-02-22. Review status: criteria provided, single submitter. Criteria: ACMG Guidelines, 2015. Collection method: clinical testing. Allele origin: germline.

Labcorp Genetics (formerly Invitae), Labcorp
Classification: Uncertain significance. Last evaluated: 2022-10-24. Review status: criteria provided, single submitter. Criteria: Invitae Variant Classification Sherloc (09022015). Collection method: clinical testing. Allele origin: germline.
Comment: This sequence change replaces tyrosine, which is neutral and polar, with cysteine, which is neutral and slightly polar, at codon 2448 of the LRP2 protein (p.Tyr2448Cys). This variant is present in population databases (rs538080625, gnomAD 0.003%). This variant has not been reported in the literature in individuals affected with LRP2-related conditions. ClinVar contains an entry for this variant (Variation ID: 332136). Algorithms developed to predict the effect of missense changes on protein structure and function (SIFT, PolyPhen-2, Align-GVGD) all suggest that this variant is likely to be disruptive. In summary, the available evidence is currently insufficient to determine the role of this variant in disease. Therefore, it has been classified as a Variant of Uncertain Significance.

Illumina Laboratory Services, Illumina
Classification: Uncertain significance for Donnai-Barrow syndrome. Last evaluated: 2018-01-12. Review status: criteria provided, single submitter. Criteria: ICSL Variant Classification Criteria 13 December 2019. Collection method: clinical testing. Allele origin: germline.

NM_004525.3(LRP2):c.7343A>G (p.Tyr2448Cys)

Gene: LRP2 (LDL receptor related protein 2; minus strand). Cytogenetic location: 2q31.1.
Variant type: single nucleotide variant.
Coding change: c.7343A>G on transcript NM_004525.3 (MANE Select); coding-DNA position 7343, A replaced by G.
Protein change: p.Tyr2448Cys; replaces tyrosine 2448 with cysteine.
Molecular consequence: missense variant.
Genome position (GRCh38, 1-based): chr2:169,206,377, T>C on the plus strand (A>G on the coding strand, the complement: LRP2 is on the minus strand). VCF-style: chr2-169206377-T-C. GRCh37 (hg19) VCF-style: chr2-170062887-T-C.
Other names: short protein forms Y2448C.
Identifiers: ClinVar variation 332136 (VCV000332136.10), dbSNP rs538080625, ClinGen allele CA1954132.